The following is an entry in ClinVar:

ClinVar aggregate classification (germline): Uncertain significance (1 of 4 stars; one submission).

gnomAD v4.1: 23 of 1,592,648 alleles (0.0014%); highest among the groups gnomAD compares: African/African-American, 0.0054%; no homozygotes.

Submission:

Labcorp Genetics (formerly Invitae), Labcorp
Classification: Uncertain significance. Last evaluated: 2024-04-13. Review status: criteria provided, single submitter. Criteria: Invitae Variant Classification Sherloc (09022015). Collection method: clinical testing. Allele origin: germline.
Comment: This sequence change replaces valine, which is neutral and non-polar, with methionine, which is neutral and non-polar, at codon 88 of the DGKZ protein (p.Val88Met). The frequency data for this variant in the population databases is considered unreliable, as metrics indicate poor data quality at this position in the gnomAD database. This variant has not been reported in the literature in individuals affected with DGKZ-related conditions. An algorithm developed to predict the effect of missense changes on protein structure and function (PolyPhen-2) suggests that this variant is likely to be tolerated. In summary, the available evidence is currently insufficient to determine the role of this variant in disease. Therefore, it has been classified as a Variant of Uncertain Significance.

NM_001199267.2(DGKZ):c.162-773G>A

Gene: DGKZ (diacylglycerol kinase zeta; plus strand). Cytogenetic location: 11p11.2.
Variant type: single nucleotide variant.
Coding change: c.162-773G>A on transcript NM_001199267.2 (MANE Select); 773 bases into the intron before coding-DNA position 162, G replaced by A.
Molecular consequence: intron variant. On other transcripts: missense variant (1).
Genome position (GRCh38, 1-based): chr11:46,366,518, G>A. VCF-style: chr11-46366518-G-A. GRCh37 (hg19) VCF-style: chr11-46388068-G-A.
Other names: c.262G>A, p.Val88Met (NM_001105540.2); c.213-773G>A (NM_201532.3); c.177-773G>A (NM_201533.3); c.162-773G>A (NM_001199266.2, NM_003646.4, NM_001199268.2); short protein forms V88M.
Identifiers: ClinVar variation 3604203 (VCV003604203.2).